The following is an entry in ClinVar:

ClinVar aggregate classification (germline): Benign. Review status: criteria provided, multiple submitters, no conflicts (2 of 4 stars). 4 submissions from 4 submitters: Benign (3). 1 of the submissions does not count toward it. Last evaluated 2026-02-04.

Conditions:
IGSF10-related disorder. Also called: IGSF10-related condition.

Allele frequency attached by ClinVar (database versions not stated): ExAC 0.76351; gnomAD 0.76914 and 0.76960; 1000 Genomes Project 0.78634; TOPMed 0.77717; 1000 Genomes Project 30x 0.78716; gnomAD exomes 0.75971; ESP Exome Variant Server 0.77779.
gnomAD v4.1: 1,215,019 of 1,613,702 alleles (75%); highest among the groups gnomAD compares: Middle Eastern, 92%; 459,012 homozygotes.

Submissions (4):

Labcorp Genetics (formerly Invitae), Labcorp
Classification: Benign. Last evaluated: 2026-02-04. Review status: criteria provided, single submitter. Criteria: Invitae Variant Classification Sherloc (09022015). Collection method: clinical testing. Allele origin: germline.

GeneDx
Classification: Benign. Last evaluated: 2019-10-23. Review status: criteria provided, single submitter. Criteria: GeneDx Variant Classification Process June 2021. Collection method: clinical testing. Allele origin: germline. Affected: yes.

Breakthrough Genomics
Classification: Benign. Review status: criteria provided, single submitter. Criteria: ACMG Guidelines, 2015. Collection method: not provided. Allele origin: germline. Inheritance: Unknown mechanism. Affected: yes.

PreventionGenetics, part of Exact Sciences
Classification: Benign for IGSF10-related condition. Last evaluated: 2019-10-17. Review status: no assertion criteria provided. Collection method: clinical testing. Allele origin: germline. Not counted in ClinVar's aggregate classification.
Comment: This variant is classified as benign based on ACMG/AMP sequence variant interpretation guidelines (Richards et al. 2015 PMID: 25741868, with internal and published modifications).

NM_178822.5(IGSF10):c.2091A>G (p.Gln697=)

Gene: IGSF10 (immunoglobulin superfamily member 10; minus strand). Cytogenetic location: 3q25.1.
Variant type: single nucleotide variant.
Coding change: c.2091A>G on transcript NM_178822.5 (MANE Select); coding-DNA position 2091, A replaced by G.
Protein change: p.Gln697=; no amino-acid change (glutamine 697 retained).
Molecular consequence: synonymous variant.
Genome position (GRCh38, 1-based): chr3:151,447,890, T>C on the plus strand (A>G on the coding strand, the complement: IGSF10 is on the minus strand). VCF-style: chr3-151447890-T-C. GRCh37 (hg19) VCF-style: chr3-151165678-T-C.
Other names: c.2091A>G, p.Gln697= (NM_001385060.1, NM_001385061.1, NM_001385062.1 and 1 more transcripts).
Identifiers: ClinVar variation 1265004 (VCV001265004.13), dbSNP rs9871952, ClinGen allele CA2670415.
Genomic context (GRCh38, chr3:151,447,890, plus strand): 5'-CTTACTTGTGCTTGAGGTGTGTTTTCCAACCTCAGCCTCCATCAGAGCAGATGTACGGAG[T>C]TGTGCACCTGGTGGCTCCTTAAGATGAGCAATAGGATTGGACTCATCAAGTCCAGATCCC-3'
Protein context (NP_849144.2, residues 687-707): IAHLKEPPGA[Gln697=]LRTSALMEAE